The following is an entry in ClinVar:

ClinVar aggregate classification (germline): Uncertain significance. Review status: criteria provided, multiple submitters, no conflicts (2 of 4 stars). 2 submissions from 2 submitters: Uncertain significance (2). Last evaluated 2025-07-03.

Conditions:
Holoprosencephaly 9 (HPE9). Also called: PITUITARY ANOMALIES WITH HOLOPROSENCEPHALY-LIKE FEATURES; HOLOPROSENCEPHALY WITH MICROPHTHALMIA AND FIRST BRANCHIAL ARCH ANOMALIES. Identifiers: Orphanet 2162, MedGen C1835819, MONDO:0012563, OMIM 610829.
Postaxial polydactyly-anterior pituitary anomalies-facial dysmorphism syndrome. Also called: Culler-Jones syndrome. Identifiers: Orphanet 420584, MedGen C4014479, MONDO:0014369, OMIM 615849.

Allele frequency attached by ClinVar (database versions not stated): gnomAD exomes 0.00004 and 0.00001; TOPMed 0.00004; gnomAD 0.00003 and 0.00004.
gnomAD v4.1: 55 of 1,614,000 alleles (0.0034%); highest among the groups gnomAD compares: Non-Finnish European, 0.0042%; no homozygotes.

Submissions (2):

Labcorp Genetics (formerly Invitae), Labcorp
Classification: Uncertain significance for Postaxial polydactyly-anterior pituitary anomalies-facial dysmorphism syndrome; Holoprosencephaly 9. Last evaluated: 2025-07-03. Review status: criteria provided, single submitter. Criteria: Invitae Variant Classification Sherloc (09022015). Collection method: clinical testing. Allele origin: germline.
Comment: This sequence change replaces arginine, which is basic and polar, with tryptophan, which is neutral and slightly polar, at codon 728 of the GLI2 protein (p.Arg728Trp). This variant is present in population databases (no rsID available, gnomAD 0.003%). This variant has not been reported in the literature in individuals affected with GLI2-related conditions. ClinVar contains an entry for this variant (Variation ID: 894623). An algorithm developed to predict the effect of missense changes on protein structure and function (PolyPhen-2) suggests that this variant is likely to be disruptive. In summary, the available evidence is currently insufficient to determine the role of this variant in disease. Therefore, it has been classified as a Variant of Uncertain Significance.

Illumina Laboratory Services, Illumina
Classification: Uncertain significance for Holoprosencephaly 9. Last evaluated: 2018-04-06. Review status: criteria provided, single submitter. Criteria: ICSL Variant Classification Criteria 13 December 2019. Collection method: clinical testing. Allele origin: germline.

NM_001374353.1(GLI2):c.2131C>T (p.Arg711Trp)

Gene: GLI2 (GLI family zinc finger 2; plus strand). Cytogenetic location: 2q14.2.
Variant type: single nucleotide variant.
Coding change: c.2131C>T on transcript NM_001374353.1 (MANE Select); coding-DNA position 2131, C replaced by T.
Protein change: p.Arg711Trp; replaces arginine 711 with tryptophan.
Molecular consequence: missense variant.
Genome position (GRCh38, 1-based): chr2:120,986,503, C>T. VCF-style: chr2-120986503-C-T. GRCh37 (hg19) VCF-style: chr2-121744079-C-T.
Other names: c.2182C>T, p.Arg728Trp (NM_001371271.1, NM_005270.5); c.1756C>T, p.Arg586Trp (NM_001374354.1); short protein forms R586W, R711W, R728W.
Identifiers: ClinVar variation 894623 (VCV000894623.5), dbSNP rs1397888063, ClinGen allele CA348164244.